The following is an entry in ClinVar:

ClinVar aggregate classification (germline): Uncertain significance (1 of 4 stars; one submission).

Conditions:
CHARGE syndrome (CHARGE). Also called: Hittner Hirsch Kreh syndrome; CHARGE ASSOCIATION--COLOBOMA, HEART ANOMALY, CHOANAL ATRESIA, RETARDATION, GENITAL AND EAR ANOMALIES; Coloboma, heart anomaly, choanal atresia, retardation, genital and ear anomalies; CHARGE association; Hall-Hittner syndrome. Identifiers: Orphanet 138, MedGen C0265354, MONDO:0008965.

Allele frequency attached by ClinVar (database versions not stated): TOPMed below 0.00001.

Submission:

Labcorp Genetics (formerly Invitae), Labcorp
Classification: Uncertain significance for CHARGE syndrome. Last evaluated: 2023-01-14. Review status: criteria provided, single submitter. Criteria: Invitae Variant Classification Sherloc (09022015). Collection method: clinical testing. Allele origin: germline.
Comment: This sequence change replaces methionine, which is neutral and non-polar, with leucine, which is neutral and non-polar, at codon 189 of the CHD7 protein (p.Met189Leu). In summary, the available evidence is currently insufficient to determine the role of this variant in disease. Therefore, it has been classified as a Variant of Uncertain Significance. Advanced modeling of protein sequence and biophysical properties (such as structural, functional, and spatial information, amino acid conservation, physicochemical variation, residue mobility, and thermodynamic stability) performed at Invitae indicates that this missense variant is not expected to disrupt CHD7 protein function. ClinVar contains an entry for this variant (Variation ID: 1060543). This variant has not been reported in the literature in individuals affected with CHD7-related conditions. This variant is not present in population databases (gnomAD no frequency).

NM_017780.4(CHD7):c.565A>T (p.Met189Leu)

Gene: CHD7 (chromodomain helicase DNA binding protein 7; plus strand). Cytogenetic location: 8q12.2.
Variant type: single nucleotide variant.
Coding change: c.565A>T on transcript NM_017780.4 (MANE Select); coding-DNA position 565, A replaced by T.
Protein change: p.Met189Leu; replaces methionine 189 with leucine.
Molecular consequence: missense variant.
Genome position (GRCh38, 1-based): chr8:60,741,997, A>T. VCF-style: chr8-60741997-A-T. GRCh37 (hg19) VCF-style: chr8-61654556-A-T.
Other names: c.565A>T, p.Met189Leu (NM_001316690.1); short protein forms M189L.
Identifiers: ClinVar variation 1060543 (VCV001060543.9), dbSNP rs1809055199, ClinGen allele CA371298036.
Genomic context (GRCh38, chr8:60,741,997, plus strand): 5'-CCACCGCAGCCGGCTCCGTCGGGGCCCCCTGCACAGGGCCACCCTCAGCACATGCAGCAG[A>T]TGGGCAGCTATATGGCACGTGGGGATTTTTCCATGCAGCAGCATGGTCAGCCACAGCAGA-3'
Protein context (NP_060250.2, residues 179-199): AQGHPQHMQQ[Met189Leu]GSYMARGDFS